The following is an entry in ClinVar:

ClinVar aggregate classification (germline): Uncertain significance. Review status: criteria provided, multiple submitters, no conflicts (2 of 4 stars). 3 submissions from 3 submitters: Uncertain significance (2). 1 of the submissions does not count toward it. Last evaluated 2025-06-18.

Conditions:
SATB2-related disorder. Also called: SATB2-related condition.
Inborn genetic diseases. Identifiers: MedGen C0950123, MeSH D030342.
Chromosome 2q32-q33 deletion syndrome (GLASS). Also called: Glass syndrome; 2q33.1 deletion syndrome. Identifiers: Orphanet 251019, MedGen C2676739, MONDO:0012864, OMIM 612313.

Allele frequency attached by ClinVar (database versions not stated): gnomAD 0.00001; gnomAD exomes 0.00001; TOPMed 0.00001.
gnomAD v4.1: 9 of 1,613,908 alleles (0.00056%); highest among the groups gnomAD compares: Non-Finnish European, 0.00076%; no homozygotes.

Submissions (3):

Ambry Genetics
Classification: Uncertain significance for Inborn genetic diseases. Last evaluated: 2025-06-18. Review status: criteria provided, single submitter. Criteria: Ambry Variant Classification Scheme 2023. Collection method: clinical testing. Allele origin: germline.

Labcorp Genetics (formerly Invitae), Labcorp
Classification: Uncertain significance for Chromosome 2q32-q33 deletion syndrome. Last evaluated: 2019-06-25. Review status: criteria provided, single submitter. Criteria: Invitae Variant Classification Sherloc (09022015). Collection method: clinical testing. Allele origin: germline.
Comment: This sequence change replaces threonine with alanine at codon 267 of the SATB2 protein (p.Thr267Ala). The threonine residue is moderately conserved and there is a small physicochemical difference between threonine and alanine. In summary, the available evidence is currently insufficient to determine the role of this variant in disease. Therefore, it has been classified as a Variant of Uncertain Significance. Algorithms developed to predict the effect of missense changes on protein structure and function (SIFT, PolyPhen-2, Align-GVGD) all suggest that this variant is likely to be tolerated, but these predictions have not been confirmed by published functional studies and their clinical significance is uncertain. This variant has not been reported in the literature in individuals with SATB2-related conditions. This variant is not present in population databases (ExAC no frequency).

PreventionGenetics, part of Exact Sciences
Classification: Uncertain significance for SATB2-related condition. Last evaluated: 2023-11-22. Review status: no assertion criteria provided. Collection method: clinical testing. Allele origin: germline. Not counted in ClinVar's aggregate classification.
Comment: The SATB2 c.799A>G variant is predicted to result in the amino acid substitution p.Thr267Ala. To our knowledge, this variant has not been reported in the literature or in a large population database, indicating this variant is rare. At this time, the clinical significance of this variant is uncertain due to the absence of conclusive functional and genetic evidence.

NM_001172509.2(SATB2):c.799A>G (p.Thr267Ala)

Gene: SATB2 (SATB homeobox 2; minus strand). Cytogenetic location: 2q33.1.
Variant type: single nucleotide variant.
Coding change: c.799A>G on transcript NM_001172509.2 (MANE Select); coding-DNA position 799, A replaced by G.
Protein change: p.Thr267Ala; replaces threonine 267 with alanine.
Molecular consequence: missense variant.
Genome position (GRCh38, 1-based): chr2:199,349,075, T>C on the plus strand (A>G on the coding strand, the complement: SATB2 is on the minus strand). VCF-style: chr2-199349075-T-C. GRCh37 (hg19) VCF-style: chr2-200213798-T-C.
Other names: c.799A>G, p.Thr267Ala (NM_001172517.1, NM_015265.4); short protein forms T267A.
Identifiers: ClinVar variation 948951 (VCV000948951.13), dbSNP rs1410113037, ClinGen allele CA350388114.